The following is an entry in ClinVar:

NM_001165963.4(SCN1A):c.4002+2421T>A

Genes: SCN1A (sodium voltage-gated channel alpha subunit 1; minus strand), LOC102724058 (uncharacterized LOC102724058; plus strand). Cytogenetic location: 2q24.3.
Variant type: single nucleotide variant.
Coding change: c.4002+2421T>A on transcript NM_001165963.4 (MANE Select); 2421 bases into the intron after coding-DNA position 4002, T replaced by A.
Molecular consequence: intron variant.
Genome position (GRCh38, 1-based): chr2:166,007,298, A>T on the plus strand (T>A on the coding strand, the complement: SCN1A is on the minus strand). VCF-style: chr2-166007298-A-T. GRCh37 (hg19) VCF-style: chr2-166863808-A-T.
Other names: c.3969+2421T>A (NM_001353949.2, NM_001353950.2, NM_001353951.2 and 2 more transcripts); c.3918+2421T>A (NM_001353958.2, NM_001353957.2, NM_001165964.3); c.4002+2421T>A (NM_001202435.3, NM_001353948.2); c.3966+2421T>A (NM_001353955.2, NM_001353954.2); c.3915+2421T>A (NM_001353960.2); c.1560+2421T>A (NM_001353961.2).
Identifiers: ClinVar variation 4803451 (VCV004803451.1).
Genomic context (GRCh38, chr2:166,007,298, plus strand): 5'-AAGGGCTCAGGGGAGGAACCAGCGCTCCACCCCATCCAAGTTGGAGCAAGATTATCCTAT[A>T]CAAAATAGAAATATATAGTTTGTTATTAGTTAGAAATCTGATATGACAGAACATTTGGTG-3'

ClinVar aggregate classification (germline): Uncertain significance (1 of 4 stars; one submission).

Conditions:
Early-infantile DEE. Also called: Early infantile epileptic encephalopathy; Early infantile epileptic encephalopathy with suppression bursts; Ohtahara syndrome. Identifiers: Orphanet 1934, MedGen C0393706, MONDO:0800491.

Submission:

Labcorp Genetics (formerly Invitae), Labcorp
Classification: Uncertain significance for Early-infantile DEE. Last evaluated: 2025-09-10. Review status: criteria provided, single submitter. Criteria: Invitae Variant Classification Sherloc (09022015). Collection method: clinical testing. Allele origin: germline.
Comment: This sequence change falls in intron 20 of the SCN1A gene. It does not directly change the encoded amino acid sequence of the SCN1A protein. However, this sequence change falls within a region encompassing a cryptic exon in the SCN1A gene, in which variants have been shown to alter splicing (PMID: 30526861, 34107977). This variant is not present in population databases (gnomAD no frequency). This variant has not been reported in the literature in individuals affected with SCN1A-related conditions. Algorithms developed to predict the effect of sequence changes on RNA splicing suggest that this variant is not likely to affect RNA splicing. In summary, the available evidence is currently insufficient to determine the role of this variant in disease. Therefore, it has been classified as a Variant of Uncertain Significance.

Literature cited by the submitters: PubMed 30526861; PubMed 34107977.